The following is an entry in ClinVar:

NM_001135146.2(SLC39A8):c.157G>T (p.Glu53Ter)

Gene: SLC39A8 (solute carrier family 39 member 8; minus strand). Cytogenetic location: 4q24.
Variant type: single nucleotide variant.
Coding change: c.157G>T on transcript NM_001135146.2 (MANE Select); coding-DNA position 157, G replaced by T.
Protein change: p.Glu53Ter; replaces glutamic acid 53 with a stop codon.
Molecular consequence: nonsense.
Genome position (GRCh38, 1-based): chr4:102,344,506, C>A on the plus strand (G>T on the coding strand, the complement: SLC39A8 is on the minus strand). VCF-style: chr4-102344506-C-A. GRCh37 (hg19) VCF-style: chr4-103265663-C-A.
Other names: c.157G>T, p.Glu53Ter (NM_001135147.1, NM_022154.5); short protein forms E53*.
Identifiers: ClinVar variation 1307124 (VCV001307124.2), dbSNP rs2149060165, ClinGen allele CA357956800.

ClinVar aggregate classification (germline): Uncertain significance (1 of 4 stars; one submission).

gnomAD v4.1: 1 of 1,557,528 alleles (0.000064%); highest among the groups gnomAD compares: East Asian, 0.0024%; no homozygotes.

Submission:

GeneDx
Classification: Uncertain significance. Last evaluated: 2019-08-02. Review status: criteria provided, single submitter. Criteria: GeneDx Variant Classification Process June 2021. Collection method: clinical testing. Allele origin: germline. Affected: yes.
Comment: Nonsense variant predicted to result in protein truncation or nonsense mediated decay in a gene for which loss-of-function is not a known mechanism of disease; Has not been previously published as pathogenic or benign to our knowledge; Not observed in large population cohorts (Lek et al., 2016)